The following is an entry in ClinVar:

ClinVar aggregate classification (germline): Conflicting classifications of pathogenicity. Review status: criteria provided, conflicting classifications (1 of 4 stars). 3 submissions from 3 submitters: Uncertain significance (2); Benign (1). Last evaluated 2025-12-08.

Conditions:
Cardiovascular phenotype. Identifiers: MedGen CN230736.
Andersen Tawil syndrome (LQT7). Also called: ANDERSEN CARDIODYSRHYTHMIC PERIODIC PARALYSIS; PERIODIC PARALYSIS, POTASSIUM-SENSITIVE CARDIODYSRHYTHMIC TYPE; LONG QT SYNDROME 7; Potassium-sensitive periodic paralysis, ventricular ectopy, and dysmorphic features; Andersen Syndrome. Identifiers: Orphanet 37553, MedGen C1563715, MONDO:0008222, OMIM 170390.
Short QT syndrome type 3. Identifiers: Orphanet 51083, MedGen C1865018, MONDO:0012314, OMIM 609622.

Allele frequency attached by ClinVar (database versions not stated): ExAC 0.00002; gnomAD exomes 0.00002; TOPMed 0.00005; ESP Exome Variant Server 0.00015.

Submissions (3):

Labcorp Genetics (formerly Invitae), Labcorp
Classification: Uncertain significance for Short QT syndrome type 3; Andersen Tawil syndrome. Last evaluated: 2025-12-08. Review status: criteria provided, single submitter. Criteria: Invitae Variant Classification Sherloc (09022015). Collection method: clinical testing. Allele origin: germline.
Comment: This sequence change replaces aspartic acid, which is acidic and polar, with asparagine, which is neutral and polar, at codon 389 of the KCNJ2 protein (p.Asp389Asn). This variant is present in population databases (rs140053197, gnomAD 0.01%). This variant has not been reported in the literature in individuals affected with KCNJ2-related conditions. ClinVar contains an entry for this variant (Variation ID: 842216). Invitae Evidence Modeling of protein sequence and biophysical properties (such as structural, functional, and spatial information, amino acid conservation, physicochemical variation, residue mobility, and thermodynamic stability) indicates that this missense variant is not expected to disrupt KCNJ2 protein function with a negative predictive value of 95%. In summary, the available evidence is currently insufficient to determine the role of this variant in disease. Therefore, it has been classified as a Variant of Uncertain Significance.

Ambry Genetics
Classification: Benign for Cardiovascular phenotype. Last evaluated: 2023-10-06. Review status: criteria provided, single submitter. Criteria: Ambry Variant Classification Scheme 2023. Collection method: clinical testing. Allele origin: germline.

ARUP Laboratories, Molecular Genetics and Genomics, ARUP Laboratories
Classification: Uncertain significance. Last evaluated: 2022-12-21. Review status: criteria provided, single submitter. Criteria: ARUP Molecular Germline Variant Investigation Process 2024. Collection method: clinical testing. Allele origin: germline.
Comment: The KCNJ2 c.1165G>A; p.Asp389Asn variant (rs140053197), to our knowledge, is not reported in the medical literature but is reported in ClinVar (Variation ID: 842216). This variant is only observed on six alleles in the Genome Aggregation Database, indicating it is not a common polymorphism. The aspartate at codon 389 is moderately conserved, and computational analyses are uncertain whether this variant is neutral or deleterious (REVEL: 0.320). Due to limited information, the clinical significance of this variant is uncertain at this time.

NM_000891.3(KCNJ2):c.1165G>A (p.Asp389Asn)

Gene: KCNJ2 (potassium inwardly rectifying channel subfamily J member 2; plus strand). Cytogenetic location: 17q24.3.
Variant type: single nucleotide variant.
Coding change: c.1165G>A on transcript NM_000891.3 (MANE Select); coding-DNA position 1165, G replaced by A.
Protein change: p.Asp389Asn; replaces aspartic acid 389 with asparagine.
Molecular consequence: missense variant.
Genome position (GRCh38, 1-based): chr17:70,176,204, G>A. VCF-style: chr17-70176204-G-A. GRCh37 (hg19) VCF-style: chr17-68172345-G-A.
Other names: short protein forms D389N.
Identifiers: ClinVar variation 842216 (VCV000842216.11), dbSNP rs140053197, ClinGen allele CA8738796.